The following is an entry in ClinVar:

ClinVar aggregate classification (germline): Uncertain significance (1 of 4 stars; one submission).

Submission:

GeneDx
Classification: Uncertain significance. Last evaluated: 2024-10-16. Review status: criteria provided, single submitter. Criteria: GeneDx Variant Classification Process June 2021. Collection method: clinical testing. Allele origin: germline. Affected: yes.
Comment: Not observed at significant frequency in large population cohorts (gnomAD); In silico analysis supports that this missense variant has a deleterious effect on protein structure/function; Has not been previously published as pathogenic or benign to our knowledge

NM_052867.4(NALCN):c.3176G>C (p.Gly1059Ala)

Gene: NALCN (sodium leak channel, non-selective; minus strand). Cytogenetic location: 13q32.3.
Variant type: single nucleotide variant.
Coding change: c.3176G>C on transcript NM_052867.4 (MANE Select); coding-DNA position 3176, G replaced by C.
Protein change: p.Gly1059Ala; replaces glycine 1059 with alanine.
Molecular consequence: missense variant.
Genome position (GRCh38, 1-based): chr13:101,095,667, C>G on the plus strand (G>C on the coding strand, the complement: NALCN is on the minus strand). VCF-style: chr13-101095667-C-G. GRCh37 (hg19) VCF-style: chr13-101748018-C-G.
Other names: c.3263G>C, p.Gly1088Ala (NM_001350748.2); c.3176G>C, p.Gly1059Ala (NM_001350749.2); c.3089G>C, p.Gly1030Ala (NM_001350750.2, NM_001350751.2); short protein forms G1030A, G1059A, G1088A.
Identifiers: ClinVar variation 3893373 (VCV003893373.1).